The following is an entry in ClinVar:

ClinVar aggregate classification (germline): Uncertain significance. Review status: criteria provided, multiple submitters, no conflicts (2 of 4 stars). 4 submissions from 4 submitters: Uncertain significance (4). Last evaluated 2026-03-03.

Conditions:
Inborn genetic diseases. Identifiers: MedGen C0950123, MeSH D030342.
Atrial fibrillation, familial, 7 (ATFB7). Identifiers: MedGen C2677106, MONDO:0012828, OMIM 612240.

Allele frequency attached by ClinVar (database versions not stated): TOPMed below 0.00001; gnomAD exomes 0.00001; gnomAD 0.00002.

Submissions (4):

GeneDx
Classification: Uncertain significance. Last evaluated: 2026-03-03. Review status: criteria provided, single submitter. Criteria: GeneDx Variant Classification Process June 2021. Collection method: clinical testing. Allele origin: germline.
Comment: Not observed at significant frequency in large population cohorts (gnomAD); In silico analysis suggests that this missense variant does not alter protein structure/function; Has not been previously published as pathogenic or benign to our knowledge

Ambry Genetics
Classification: Uncertain significance for Inborn genetic diseases. Last evaluated: 2024-11-13. Review status: criteria provided, single submitter. Criteria: Ambry Variant Classification Scheme 2023. Collection method: clinical testing. Allele origin: germline.

Blueprint Genetics
Classification: Uncertain significance. Last evaluated: 2024-10-16. Review status: criteria provided, single submitter. Criteria: ACMG Guidelines, 2015. Collection method: clinical testing. Allele origin: germline.

Labcorp Genetics (formerly Invitae), Labcorp
Classification: Uncertain significance for Atrial fibrillation, familial, 7. Last evaluated: 2022-09-13. Review status: criteria provided, single submitter. Criteria: Invitae Variant Classification Sherloc (09022015). Collection method: clinical testing. Allele origin: germline.
Comment: Algorithms developed to predict the effect of missense changes on protein structure and function output the following: SIFT: "Tolerated"; PolyPhen-2: "Benign"; Align-GVGD: "Class C0". The glutamine amino acid residue is found in multiple mammalian species, which suggests that this missense change does not adversely affect protein function. This sequence change replaces arginine, which is basic and polar, with glutamine, which is neutral and polar, at codon 609 of the KCNA5 protein (p.Arg609Gln). This variant is present in population databases (no rsID available, gnomAD 0.006%). This variant has not been reported in the literature in individuals affected with KCNA5-related conditions. ClinVar contains an entry for this variant (Variation ID: 665819). In summary, the available evidence is currently insufficient to determine the role of this variant in disease. Therefore, it has been classified as a Variant of Uncertain Significance.

NM_002234.4(KCNA5):c.1826G>A (p.Arg609Gln)

Gene: KCNA5 (potassium voltage-gated channel subfamily A member 5; plus strand). Cytogenetic location: 12p13.32.
Variant type: single nucleotide variant.
Coding change: c.1826G>A on transcript NM_002234.4 (MANE Select); coding-DNA position 1826, G replaced by A.
Protein change: p.Arg609Gln; replaces arginine 609 with glutamine.
Molecular consequence: missense variant.
Genome position (GRCh38, 1-based): chr12:5,045,973, G>A. VCF-style: chr12-5045973-G-A. GRCh37 (hg19) VCF-style: chr12-5155139-G-A.
Other names: c.1826G>A (NM_002234.2); short protein forms R609Q.
Identifiers: ClinVar variation 665819 (VCV000665819.13), dbSNP rs991950771, ClinGen allele CA231869404.